The following is an entry in ClinVar:

NM_000553.6(WRN):c.2013C>G (p.His671Gln)

Gene: WRN (WRN RecQ like helicase; plus strand). Cytogenetic location: 8p12.
Variant type: single nucleotide variant.
Coding change: c.2013C>G on transcript NM_000553.6 (MANE Select); coding-DNA position 2013, C replaced by G.
Protein change: p.His671Gln; replaces histidine 671 with glutamine.
Molecular consequence: missense variant.
Genome position (GRCh38, 1-based): chr8:31,100,880, C>G. VCF-style: chr8-31100880-C-G. GRCh37 (hg19) VCF-style: chr8-30958396-C-G.
Other names: short protein forms H671Q.
Identifiers: ClinVar variation 1719631 (VCV001719631.5), dbSNP rs2535950807, ClinGen allele CA370908361.

ClinVar aggregate classification (germline): Uncertain significance (1 of 4 stars; one submission).

Conditions:
Werner syndrome (WRN). Identifiers: Orphanet 902, MedGen C0043119, MONDO:0010196, OMIM 277700.

Submission:

Labcorp Genetics (formerly Invitae), Labcorp
Classification: Uncertain significance for Werner syndrome. Last evaluated: 2022-09-17. Review status: criteria provided, single submitter. Criteria: Invitae Variant Classification Sherloc (09022015). Collection method: clinical testing. Allele origin: germline.
Comment: This variant is not present in population databases (gnomAD no frequency). In summary, the available evidence is currently insufficient to determine the role of this variant in disease. Therefore, it has been classified as a Variant of Uncertain Significance. Algorithms developed to predict the effect of missense changes on protein structure and function are either unavailable or do not agree on the potential impact of this missense change (SIFT: "Not Available"; PolyPhen-2: "Probably Damaging"; Align-GVGD: "Not Available"). This variant has not been reported in the literature in individuals affected with WRN-related conditions. This sequence change replaces histidine, which is basic and polar, with glutamine, which is neutral and polar, at codon 671 of the WRN protein (p.His671Gln).